The following is an entry in ClinVar:

ClinVar aggregate classification (germline): Uncertain significance (1 of 4 stars; one submission).

gnomAD v4.1: 6 of 1,613,636 alleles (0.00037%); highest among the groups gnomAD compares: East Asian, 0.0045%; no homozygotes.

Submission:

Ambry Genetics
Classification: Uncertain significance. Last evaluated: 2024-05-11. Review status: criteria provided, single submitter. Criteria: Ambry Variant Classification Scheme 2023. Collection method: clinical testing. Allele origin: germline.
Comment: The p.L147F variant (also known as c.439C>T), located in coding exon 4 of the ILK gene, results from a C to T substitution at nucleotide position 439. The leucine at codon 147 is replaced by phenylalanine, an amino acid with highly similar properties. This amino acid position is conserved. In addition, the in silico prediction for this alteration is inconclusive. Based on the available evidence, the clinical significance of this variant remains unclear.

NM_004517.4(ILK):c.439C>T (p.Leu147Phe)

Genes: ILK (integrin linked kinase; plus strand), TAF10 (TATA-box binding protein associated factor 10; minus strand). Cytogenetic location: 11p15.4.
Variant type: single nucleotide variant.
Coding change: c.439C>T on transcript NM_004517.4 (MANE Select); coding-DNA position 439, C replaced by T.
Protein change: p.Leu147Phe; replaces leucine 147 with phenylalanine.
Molecular consequence: missense variant. On other transcripts: 3 prime UTR variant (1), intron variant (1).
Genome position (GRCh38, 1-based): chr11:6,608,781, C>T. VCF-style: chr11-6608781-C-T. GRCh37 (hg19) VCF-style: chr11-6630011-C-T.
Other names: c.439C>T, p.Leu147Phe (NM_001014794.3, NM_001014795.3); c.37C>T, p.Leu13Phe (NM_001278442.2); c.*2141G>A (NM_006284.4); c.352-103C>T (NM_001278441.2); short protein forms L13F, L147F.
Identifiers: ClinVar variation 3285935 (VCV003285935.1).